The following is an entry in ClinVar:

ClinVar aggregate classification (germline): Pathogenic (1 of 4 stars; one submission).

Conditions:
Sulfite oxidase deficiency. Also called: Isolated sulfite oxidase deficiency. Identifiers: Orphanet 833, Orphanet 99731, MedGen C0268624, MONDO:0010089, OMIM 272300, HP:0003643.

Allele frequency attached by ClinVar (database versions not stated): gnomAD exomes below 0.00001.

Submission:

Labcorp Genetics (formerly Invitae), Labcorp
Classification: Pathogenic for Sulfite oxidase deficiency. Last evaluated: 2023-06-27. Review status: criteria provided, single submitter. Criteria: Invitae Variant Classification Sherloc (09022015). Collection method: clinical testing. Allele origin: germline.
Comment: This variant has not been reported in the literature in individuals affected with SUOX-related conditions. This sequence change creates a premature translational stop signal (p.Gln154*) in the SUOX gene. While this is not anticipated to result in nonsense mediated decay, it is expected to disrupt the last 392 amino acid(s) of the SUOX protein. This variant is not present in population databases (gnomAD no frequency). This variant disrupts a region of the SUOX protein in which other variant(s) (p.Val438Aspfs*5 ) have been determined to be pathogenic (PMID: 16140720; Invitae). This suggests that this is a clinically significant region of the protein, and that variants that disrupt it are likely to be disease-causing. For these reasons, this variant has been classified as Pathogenic.

Literature cited by the submitters: PubMed 16140720.

NM_001032386.2(SUOX):c.460C>T (p.Gln154Ter)

Gene: SUOX (sulfite oxidase; plus strand). Cytogenetic location: 12q13.2.
Variant type: single nucleotide variant.
Coding change: c.460C>T on transcript NM_001032386.2 (MANE Select); coding-DNA position 460, C replaced by T.
Protein change: p.Gln154Ter; replaces glutamine 154 with a stop codon.
Molecular consequence: nonsense.
Genome position (GRCh38, 1-based): chr12:56,003,849, C>T. VCF-style: chr12-56003849-C-T. GRCh37 (hg19) VCF-style: chr12-56397633-C-T.
Other names: c.460C>T, p.Gln154Ter (NM_000456.3, NM_001032387.2); short protein forms Q154*.
Identifiers: ClinVar variation 2919399 (VCV002919399.3), dbSNP rs2540575967, ClinGen allele CA385283835.
Genomic context (GRCh38, chr12:56,003,849, plus strand): 5'-GAGCCCTTCTGGGCCCTCTATGCTGTTCACAACCAGTCCCATGTGCGTGAGTTACTGGCT[C>T]AGTACAAGATTGGGGAGCTGAATCCTGAAGACAAGGTAGCCCCCACCGTGGAGACCTCTG-3'